The following is an entry in ClinVar:

ClinVar aggregate classification (germline): Uncertain significance (1 of 4 stars; one submission).

Submission:

Women's Health and Genetics/Laboratory Corporation of America, LabCorp
Classification: Uncertain significance. Last evaluated: 2025-06-19. Review status: criteria provided, single submitter. Criteria: LabCorp Variant Classification Summary - May 2015. Collection method: clinical testing. Allele origin: germline.
Comment: Variant summary: PKD1 c.7127A>C (p.Gln2376Pro) results in a non-conservative amino acid change located in the REJ domain (IPR014010) of the encoded protein sequence. Algorithms developed to predict the effect of missense changes on protein structure and function are either unavailable or do not agree on the potential impact of this missense change. The variant was absent in 214360 control chromosomes. The available data on variant occurrences in the general population are insufficient to allow any conclusion about variant significance. c.7127A>C has been observed in heterozygous state in a fetal case with renal abnormalities on prenatal ultrasound, however no phenotype information was provided about the carrier parent (Liu_2022). This report does not provide unequivocal conclusions about association of the variant with Polycystic Kidney Disease 1. To our knowledge, no experimental evidence demonstrating an impact on protein function has been reported. The following publication has been ascertained in the context of this evaluation (PMID: 35478332). No submitters have cited clinical-significance assessments for this variant to ClinVar. Based on the evidence outlined above, the variant was classified as uncertain significance.

Literature cited by the submitters: PubMed 35478332.

NM_001009944.3(PKD1):c.7127A>C (p.Gln2376Pro)

Gene: PKD1 (polycystin 1, transient receptor potential channel interacting; minus strand). Cytogenetic location: 16p13.3.
Variant type: single nucleotide variant.
Coding change: c.7127A>C on transcript NM_001009944.3 (MANE Select); coding-DNA position 7127, A replaced by C.
Protein change: p.Gln2376Pro; replaces glutamine 2376 with proline.
Molecular consequence: missense variant.
Genome position (GRCh38, 1-based): chr16:2,106,887, T>G on the plus strand (A>C on the coding strand, the complement: PKD1 is on the minus strand). VCF-style: chr16-2106887-T-G. GRCh37 (hg19) VCF-style: chr16-2156888-T-G.
Other names: c.7127A>C, p.Gln2376Pro (NM_000296.4); short protein forms Q2376P.
Identifiers: ClinVar variation 3907650 (VCV003907650.1).